The following is an entry in ClinVar:

NM_138694.4(PKHD1):c.8692_8694del (p.Leu2898del)

Gene: PKHD1 (PKHD1 ciliary IPT domain containing fibrocystin/polyductin; minus strand). Cytogenetic location: 6p12.3.
Variant type: Deletion.
Coding change: c.8692_8694del on transcript NM_138694.4 (MANE Select); coding-DNA positions 8692 to 8694, 3 bases deleted (CTT; older notation c.8692_8694delCTT).
Protein change: p.Leu2898del; deletes leucine 2898.
Molecular consequence: inframe deletion.
Genome position (GRCh38, 1-based): chr6:51,754,887-51,754,889, AAG deleted on the plus strand (CTT on the coding strand, the reverse complement: PKHD1 is on the minus strand). VCF-style (leftmost placement, unchanged base first): chr6-51754886-TAAG-T. GRCh37 (hg19) VCF-style: chr6-51619684-TAAG-T.
Other names: c.8692_8694del, p.Leu2898del (NM_170724.3); short protein forms L2898del.
Identifiers: ClinVar variation 4879872 (VCV004879872.1).

ClinVar aggregate classification (germline): Uncertain significance (1 of 4 stars; one submission).

Conditions:
Polycystic kidney disease 4 (PKD4). Also called: POLYCYSTIC KIDNEY AND HEPATIC DISEASE 1; POLYCYSTIC KIDNEY DISEASE, INFANTILE, TYPE I; POLYCYSTIC KIDNEY DISEASE 4 WITH OR WITHOUT POLYCYSTIC LIVER DISEASE; PKD3; Autosomal Recessive Polycystic Kidney Disease – PKHD1. Identifiers: MedGen C4540575, MONDO:0033004, OMIM 263200.

Submission:

MVZ Medizinische Genetik Mainz
Classification: Uncertain significance for Polycystic kidney disease 4. Last evaluated: 2026-07-14. Review status: criteria provided, single submitter. Criteria: UK Practice Guidelines For Variant Classification V4 01 2020. Collection method: clinical testing. Allele origin: germline. Inheritance: Autosomal recessive inheritance. Affected: yes. Observed: 1 variant allele.
Comment: ACMG Criteria: PM2_SUP,PM4_SUP,PP3,PP4